The following is an entry in ClinVar:

ClinVar aggregate classification (germline): Uncertain significance (1 of 4 stars; one submission).

Conditions:
Autosomal dominant Parkinson disease 8. Also called: LRRK2-Related Parkinson Disease; Parkinson disease 8; Parkinson disease 8, susceptibility to. Identifiers: Orphanet 411602, MedGen C1846862, MONDO:0011764, OMIM 607060.

gnomAD v4.1: 6 of 1,612,632 alleles (0.00037%); highest among the groups gnomAD compares: Non-Finnish European, 0.00025%; no homozygotes.

Submission:

Labcorp Genetics (formerly Invitae), Labcorp
Classification: Uncertain significance for Autosomal dominant Parkinson disease 8. Last evaluated: 2024-10-25. Review status: criteria provided, single submitter. Criteria: Invitae Variant Classification Sherloc (09022015). Collection method: clinical testing. Allele origin: germline.
Comment: This sequence change replaces arginine, which is basic and polar, with serine, which is neutral and polar, at codon 1677 of the LRRK2 protein (p.Arg1677Ser). This variant is present in population databases (rs575582614, gnomAD 0.0009%). This missense change has been observed in individual(s) with Parkinson disease (PMID: 30049590, 32677286). Invitae Evidence Modeling of protein sequence and biophysical properties (such as structural, functional, and spatial information, amino acid conservation, physicochemical variation, residue mobility, and thermodynamic stability) has been performed for this missense variant. However, the output from this modeling did not meet the statistical confidence thresholds required to predict the impact of this variant on LRRK2 protein function. Experimental studies have shown that this missense change does not substantially affect LRRK2 function (PMID: 35950872). In summary, the available evidence is currently insufficient to determine the role of this variant in disease. Therefore, it has been classified as a Variant of Uncertain Significance.

Literature cited by the submitters: PubMed 30049590; PubMed 32677286; PubMed 35950872.

NM_198578.4(LRRK2):c.5031G>T (p.Arg1677Ser)

Gene: LRRK2 (leucine rich repeat kinase 2; plus strand). Cytogenetic location: 12q12.
Variant type: single nucleotide variant.
Coding change: c.5031G>T on transcript NM_198578.4 (MANE Select); coding-DNA position 5031, G replaced by T.
Protein change: p.Arg1677Ser; replaces arginine 1677 with serine.
Molecular consequence: missense variant.
Genome position (GRCh38, 1-based): chr12:40,321,049, G>T. VCF-style: chr12-40321049-G-T. GRCh37 (hg19) VCF-style: chr12-40714851-G-T.
Other names: short protein forms R1677S.
Identifiers: ClinVar variation 3708194 (VCV003708194.2).